The following is an entry in ClinVar:

ClinVar aggregate classification (germline): Conflicting classifications of pathogenicity. Review status: criteria provided, conflicting classifications (1 of 4 stars). 2 submissions from 2 submitters: Pathogenic (1); Uncertain significance (1). Last evaluated 2025-12-21.

Conditions:
RYR1-related disorder. Also called: RYR1-related condition; RYR1-related disorders. Identifiers: MedGen CN239331.

Allele frequency attached by ClinVar (database versions not stated): TOPMed below 0.00001; gnomAD 0.00001; gnomAD exomes 0.00001.
gnomAD v4.1: 6 of 1,613,884 alleles (0.00037%); highest among the groups gnomAD compares: Non-Finnish European, 0.00051%; no homozygotes.

Submissions (2):

Labcorp Genetics (formerly Invitae), Labcorp
Classification: Pathogenic for RYR1-related disorder. Last evaluated: 2025-12-21. Review status: criteria provided, single submitter. Criteria: Invitae Variant Classification Sherloc (09022015). Collection method: clinical testing. Allele origin: germline.
Comment: This sequence change replaces glycine, which is neutral and non-polar, with arginine, which is basic and polar, at codon 765 of the RYR1 protein (p.Gly765Arg). This variant is present in population databases (no rsID available, gnomAD 0.002%). This missense change has been observed in individual(s) with autosomal recessive congenital myopathy (internal data). In at least one individual the data is consistent with being in trans (on the opposite chromosome) from a pathogenic variant. It has also been observed to segregate with disease in related individuals. ClinVar contains an entry for this variant (Variation ID: 478210). Invitae Evidence Modeling of protein sequence and biophysical properties (such as structural, functional, and spatial information, amino acid conservation, physicochemical variation, residue mobility, and thermodynamic stability) has been performed for this missense variant. However, the output from this modeling did not meet the statistical confidence thresholds required to predict the impact of this variant on RYR1 protein function. For these reasons, this variant has been classified as Pathogenic.

PreventionGenetics, part of Exact Sciences
Classification: Uncertain significance. Last evaluated: 2017-12-21. Review status: criteria provided, single submitter. Criteria: ACMG Guidelines, 2015. Collection method: clinical testing. Allele origin: germline.

NM_000540.3(RYR1):c.2293G>C (p.Gly765Arg)

Gene: RYR1 (ryanodine receptor 1; plus strand). Cytogenetic location: 19q13.2.
Variant type: single nucleotide variant.
Coding change: c.2293G>C on transcript NM_000540.3 (MANE Select); coding-DNA position 2293, G replaced by C.
Protein change: p.Gly765Arg; replaces glycine 765 with arginine.
Molecular consequence: missense variant.
Genome position (GRCh38, 1-based): chr19:38,459,271, G>C. VCF-style: chr19-38459271-G-C. GRCh37 (hg19) VCF-style: chr19-38949911-G-C.
Other names: c.2293G>C, p.Gly765Arg (NM_001042723.2); short protein forms G765R.
Identifiers: ClinVar variation 478210 (VCV000478210.7), dbSNP rs1380227293, ClinGen allele CA405628014.